The following is an entry in ClinVar:

ClinVar aggregate classification (germline): Likely benign (1 of 4 stars; one submission).

Conditions:
IRF2BPL-related disorder. Also called: IRF2BPL-related condition. Identifiers: MedGen CN381093.

Submission:

PreventionGenetics, part of Exact Sciences
Classification: Likely benign for IRF2BPL-related condition. Last evaluated: 2026-02-03. Review status: criteria provided, single submitter. Criteria: ACMG Guidelines, 2015. Collection method: clinical testing. Allele origin: germline.
Comment: This variant is classified as likely benign based on ACMG/AMP sequence variant interpretation guidelines (Richards et al. 2015 PMID: 25741868, with internal and published modifications).

NM_024496.4(IRF2BPL):c.228C>T (p.Val76=)

Genes: IRF2BPL (interferon regulatory factor 2 binding protein like; minus strand), LOC107984638 (uncharacterized LOC107984638; plus strand). Cytogenetic location: 14q24.3.
Variant type: single nucleotide variant.
Coding change: c.228C>T on transcript NM_024496.4 (MANE Select); coding-DNA position 228, C replaced by T.
Protein change: p.Val76=; no amino-acid change (valine 76 retained).
Molecular consequence: synonymous variant. On other transcripts: non-coding transcript variant (3).
Genome position (GRCh38, 1-based): chr14:77,027,565, G>A on the plus strand (C>T on the coding strand, the complement: IRF2BPL is on the minus strand). VCF-style: chr14-77027565-G-A. GRCh37 (hg19) VCF-style: chr14-77493908-G-A.
Identifiers: ClinVar variation 4985127 (VCV004985127.1).